The following is an entry in ClinVar:

ClinVar aggregate classification (germline): Uncertain significance (1 of 4 stars; one submission).

Conditions:
Hereditary cancer-predisposing syndrome. Also called: Neoplastic Syndromes, Hereditary; Tumor predisposition; Hereditary Cancer Syndrome; Hereditary neoplastic syndrome. Identifiers: Orphanet 140162, MedGen C0027672, MeSH D009386, MONDO:0015356.

Submission:

Ambry Genetics
Classification: Uncertain significance for Hereditary cancer-predisposing syndrome. Last evaluated: 2024-11-20. Review status: criteria provided, single submitter. Criteria: Ambry Variant Classification Scheme 2023. Collection method: clinical testing. Allele origin: germline.
Comment: The p.R423G variant (also known as c.1267C>G), located in coding exon 10 of the POLD1 gene, results from a C to G substitution at nucleotide position 1267. The arginine at codon 423 is replaced by glycine, an amino acid with dissimilar properties. This amino acid position is conserved. In addition, this alteration is predicted to be deleterious by in silico analysis. Based on the available evidence, the clinical significance of this variant remains unclear.

NM_002691.4(POLD1):c.1267C>G (p.Arg423Gly)

Gene: POLD1 (DNA polymerase delta 1, catalytic subunit; plus strand). Cytogenetic location: 19q13.33.
Variant type: single nucleotide variant.
Coding change: c.1267C>G on transcript NM_002691.4 (MANE Select); coding-DNA position 1267, C replaced by G.
Protein change: p.Arg423Gly; replaces arginine 423 with glycine.
Molecular consequence: missense variant. On other transcripts: non-coding transcript variant (1).
Genome position (GRCh38, 1-based): chr19:50,406,206, C>G. VCF-style: chr19-50406206-C-G. GRCh37 (hg19) VCF-style: chr19-50909463-C-G.
Other names: c.1267C>G, p.Arg423Gly (NM_001256849.1, NM_001308632.1); short protein forms R423G.
Identifiers: ClinVar variation 3422011 (VCV003422011.1).